The following is an entry in ClinVar:

ClinVar aggregate classification (germline): Uncertain significance (1 of 4 stars; one submission).

gnomAD v4.1: 6 of 1,539,398 alleles (0.00039%); highest among the groups gnomAD compares: Non-Finnish European, 0.00044%; no homozygotes.

Submission:

GeneDx
Classification: Uncertain significance. Last evaluated: 2024-07-03. Review status: criteria provided, single submitter. Criteria: GeneDx Variant Classification Process June 2021. Collection method: clinical testing. Allele origin: germline. Affected: yes.
Comment: Not observed at significant frequency in large population cohorts (gnomAD); In silico analysis supports that this missense variant has a deleterious effect on protein structure/function; Has not been previously published as pathogenic or benign to our knowledge

NM_001329943.3(KIAA0586):c.2962G>A (p.Gly988Ser)

Gene: KIAA0586 (KIAA0586; plus strand). Cytogenetic location: 14q23.1.
Variant type: single nucleotide variant.
Coding change: c.2962G>A on transcript NM_001329943.3 (MANE Select); coding-DNA position 2962, G replaced by A.
Protein change: p.Gly988Ser; replaces glycine 988 with serine.
Molecular consequence: missense variant.
Genome position (GRCh38, 1-based): chr14:58,482,530, G>A. VCF-style: chr14-58482530-G-A. GRCh37 (hg19) VCF-style: chr14-58949248-G-A.
Other names: c.3121G>A, p.Gly1041Ser (NM_001244189.2); c.2917G>A, p.Gly973Ser (NM_001244190.2); c.2707G>A, p.Gly903Ser (NM_001244191.2, NM_001329945.2, NM_001364700.1 and 1 more transcripts); c.2830G>A, p.Gly944Ser (NM_001244192.2); c.2542G>A, p.Gly848Ser (NM_001244193.2); c.2962G>A, p.Gly988Ser (NM_001329944.2, NM_001329946.2, NM_001329947.2); c.2734G>A, p.Gly912Ser (NM_014749.5); short protein forms G912S, G988S, G848S, G903S, G944S, G1041S, G973S.
Identifiers: ClinVar variation 3393679 (VCV003393679.1).